The following is an entry in ClinVar:

ClinVar aggregate classification (germline): Uncertain significance. Review status: criteria provided, multiple submitters, no conflicts (2 of 4 stars). 2 submissions from 2 submitters: Uncertain significance (2). Last evaluated 2025-12-01.

Conditions:
Inborn genetic diseases. Identifiers: MedGen C0950123, MeSH D030342.

Allele frequency attached by ClinVar (database versions not stated): gnomAD 0.00005; ExAC 0.00007; ESP Exome Variant Server 0.00008; TOPMed 0.00011; gnomAD exomes 0.00012.
gnomAD v4.1: 191 of 1,613,978 alleles (0.012%); highest among the groups gnomAD compares: Middle Eastern, 0.099%; 1 homozygote.

Submissions (2):

CeGaT Center for Human Genetics Tuebingen
Classification: Uncertain significance. Last evaluated: 2025-12-01. Review status: criteria provided, single submitter. Criteria: CeGaT Center For Human Genetics Tuebingen Variant Classification Criteria Version 2. Collection method: clinical testing. Allele origin: germline. Affected: yes. Observed: 1 variant allele.
Comment: IPO8: PM2, BP4

Ambry Genetics
Classification: Uncertain significance for Inborn genetic diseases. Last evaluated: 2023-12-18. Review status: criteria provided, single submitter. Criteria: Ambry Variant Classification Scheme 2023. Collection method: clinical testing. Allele origin: germline.

NM_006390.4(IPO8):c.2651G>A (p.Arg884Gln)

Gene: IPO8 (importin 8; minus strand). Cytogenetic location: 12p11.21.
Variant type: single nucleotide variant.
Coding change: c.2651G>A on transcript NM_006390.4 (MANE Select); coding-DNA position 2651, G replaced by A.
Protein change: p.Arg884Gln; replaces arginine 884 with glutamine.
Molecular consequence: missense variant.
Genome position (GRCh38, 1-based): chr12:30,637,026, C>T on the plus strand (G>A on the coding strand, the complement: IPO8 is on the minus strand). VCF-style: chr12-30637026-C-T. GRCh37 (hg19) VCF-style: chr12-30789960-C-T.
Other names: c.2036G>A, p.Arg679Gln (NM_001190995.2); short protein forms R679Q, R884Q.
Identifiers: ClinVar variation 3110350 (VCV003110350.6), dbSNP rs140923866, ClinGen allele CA6498603.
Genomic context (GRCh38, chr12:30,637,026, plus strand): 5'-AATTAGAAGACTTTACCATTTTCTTCCATATCAGCTTTCTCTGCTTTTGAACGATCTTCC[C>T]GGTTTACCAGTTGTCTAGTAGCACAGACCTGCTTTAGGCCAAGGAAAAGGAAAAGAATTG-3'
Protein context (NP_006381.2, residues 874-894): QVCATRQLVN[Arg884Gln]EDRSKAEKAD